The following is an entry in ClinVar:

ClinVar aggregate classification (germline): Uncertain significance (1 of 4 stars; one submission).

Conditions:
Duchenne muscular dystrophy (DMD). Also called: MUSCULAR DYSTROPHY, PSEUDOHYPERTROPHIC PROGRESSIVE, DUCHENNE TYPE; Duchenne Muscular Dystrophy (DMD). Identifiers: Orphanet 98896, MedGen C0013264, MONDO:0010679, OMIM 310200.

Submission:

Labcorp Genetics (formerly Invitae), Labcorp
Classification: Uncertain significance for Duchenne muscular dystrophy. Last evaluated: 2020-08-24. Review status: criteria provided, single submitter. Criteria: Invitae Variant Classification Sherloc (09022015). Collection method: clinical testing. Allele origin: germline.
Comment: This variant results in a copy number gain of the genomic region encompassing exon(s) 30-57 of the DMD gene. While the exact position of this variant cannot be determined from the data, sub-genic copy number gains are generally in tandem (PMID: 25640679). This variant is predicted to be in-frame, and likely preserves the integrity of the reading frame. This variant has not been reported in the literature in individuals with DMD-related conditions. In summary, the available evidence is currently insufficient to determine the role of this variant in disease. Therefore, it has been classified as a Variant of Uncertain Significance.

Literature cited by the submitters: PubMed 25640679.

NC_000023.10:g.(?_31514895)_(32430040_?)dup

Gene: DMD (dystrophin; minus strand). Cytogenetic location: Xp21.1.
Variant type: Duplication.
Identifiers: ClinVar variation 1003749 (VCV001003749.2).